The following is an entry in ClinVar:

NM_004281.4(BAG3):c.1252A>G (p.Lys418Glu)

Gene: BAG3 (BAG cochaperone 3; plus strand). Cytogenetic location: 10q26.11.
Variant type: single nucleotide variant.
Coding change: c.1252A>G on transcript NM_004281.4 (MANE Select); coding-DNA position 1252, A replaced by G.
Protein change: p.Lys418Glu; replaces lysine 418 with glutamic acid.
Molecular consequence: missense variant.
Genome position (GRCh38, 1-based): chr10:119,676,806, A>G. VCF-style: chr10-119676806-A-G. GRCh37 (hg19) VCF-style: chr10-121436318-A-G.
Other names: short protein forms K418E.
Identifiers: ClinVar variation 2942756 (VCV002942756.3), dbSNP rs2494023496, ClinGen allele CA378296918.

ClinVar aggregate classification (germline): Uncertain significance (1 of 4 stars; one submission).

Conditions:
Dilated cardiomyopathy 1HH (CMD1HH). Identifiers: Orphanet 154, MedGen C3151293, MONDO:0013479, OMIM 613881.
Myofibrillar myopathy 6. Identifiers: Orphanet 199340, MedGen C2751831, MONDO:0013061, OMIM 612954.

Allele frequency attached by ClinVar (database versions not stated): gnomAD exomes below 0.00001.
gnomAD v4.1: 1 of 1,614,200 alleles (0.000062%); highest among the groups gnomAD compares: Non-Finnish European, 0.000085%; no homozygotes.

Submission:

Labcorp Genetics (formerly Invitae), Labcorp
Classification: Uncertain significance for Dilated cardiomyopathy 1HH; Myofibrillar myopathy 6. Last evaluated: 2022-12-29. Review status: criteria provided, single submitter. Criteria: Invitae Variant Classification Sherloc (09022015). Collection method: clinical testing. Allele origin: germline.
Comment: In summary, the available evidence is currently insufficient to determine the role of this variant in disease. Therefore, it has been classified as a Variant of Uncertain Significance. Advanced modeling of protein sequence and biophysical properties (such as structural, functional, and spatial information, amino acid conservation, physicochemical variation, residue mobility, and thermodynamic stability) has been performed at Invitae for this missense variant, however the output from this modeling did not meet the statistical confidence thresholds required to predict the impact of this variant on BAG3 protein function. This variant has not been reported in the literature in individuals affected with BAG3-related conditions. This variant is not present in population databases (gnomAD no frequency). This sequence change replaces lysine, which is basic and polar, with glutamic acid, which is acidic and polar, at codon 418 of the BAG3 protein (p.Lys418Glu).